The following is an entry in ClinVar:

ClinVar aggregate classification (germline): Uncertain significance. Review status: criteria provided, multiple submitters, no conflicts (2 of 4 stars). 2 submissions from 2 submitters: Uncertain significance (2). Last evaluated 2026-07-24.

Conditions:
Hereditary cancer-predisposing syndrome. Also called: Neoplastic Syndromes, Hereditary; Hereditary Cancer Syndrome; Hereditary neoplastic syndrome; Tumor predisposition. Identifiers: Orphanet 140162, MedGen C0027672, MeSH D009386, MONDO:0015356.

Submissions (2):

Ambry Genetics
Classification: Uncertain significance for Hereditary cancer-predisposing syndrome. Last evaluated: 2026-07-24. Review status: criteria provided, single submitter. Criteria: Ambry Variant Classification Scheme 2023. Collection method: clinical testing. Allele origin: germline.
Comment: The p.W2185C variant (also known as c.6555G>T), located in coding exon 47 of the POLE gene, results from a G to T substitution at nucleotide position 6555. The tryptophan at codon 2185 is replaced by cysteine, an amino acid with highly dissimilar properties. This amino acid position is conserved. In addition, the in silico prediction for this alteration is inconclusive. Based on the available evidence, the clinical significance of this variant remains unclear.

Labcorp Genetics (formerly Invitae), Labcorp
Classification: Uncertain significance. Last evaluated: 2024-11-02. Review status: criteria provided, single submitter. Criteria: Invitae Variant Classification Sherloc (09022015). Collection method: clinical testing. Allele origin: germline.
Comment: This sequence change replaces tryptophan, which is neutral and slightly polar, with cysteine, which is neutral and slightly polar, at codon 2185 of the POLE protein (p.Trp2185Cys). This variant is not present in population databases (gnomAD no frequency). This variant has not been reported in the literature in individuals affected with POLE-related conditions. ClinVar contains an entry for this variant (Variation ID: 658884). Invitae Evidence Modeling of protein sequence and biophysical properties (such as structural, functional, and spatial information, amino acid conservation, physicochemical variation, residue mobility, and thermodynamic stability) indicates that this missense variant is not expected to disrupt POLE protein function with a negative predictive value of 80%. In summary, the available evidence is currently insufficient to determine the role of this variant in disease. Therefore, it has been classified as a Variant of Uncertain Significance.

NM_006231.4(POLE):c.6555G>T (p.Trp2185Cys)

Gene: POLE (DNA polymerase epsilon, catalytic subunit; minus strand). Cytogenetic location: 12q24.33.
Variant type: single nucleotide variant.
Coding change: c.6555G>T on transcript NM_006231.4 (MANE Select); coding-DNA position 6555, G replaced by T.
Protein change: p.Trp2185Cys; replaces tryptophan 2185 with cysteine.
Molecular consequence: missense variant.
Genome position (GRCh38, 1-based): chr12:132,625,747, C>A on the plus strand (G>T on the coding strand, the complement: POLE is on the minus strand). VCF-style: chr12-132625747-C-A. GRCh37 (hg19) VCF-style: chr12-133202333-C-A.
Other names: c.6555G>T (NM_006231.2); short protein forms W2185C.
Identifiers: ClinVar variation 658884 (VCV000658884.9), dbSNP rs1593696504, ClinGen allele CA387366868.